The following is an entry in ClinVar:

ClinVar aggregate classification (germline): Likely benign. Review status: criteria provided, multiple submitters, no conflicts (2 of 4 stars). 3 submissions from 3 submitters: Likely benign (3). Last evaluated 2025-12-13.

Conditions:
Genitopatellar syndrome (GTPTS). Also called: ABSENT PATELLAE, SCROTAL HYPOPLASIA, RENAL ANOMALIES, FACIAL DYSMORPHISM, AND MENTAL RETARDATION; Genitopatellar syndrome (GPS). Identifiers: Orphanet 85201, MedGen C1853566, MONDO:0011640, OMIM 606170.

Allele frequency attached by ClinVar (database versions not stated): gnomAD 0.00001; gnomAD exomes 0.00001 and 0.00002; TOPMed 0.00001; ExAC 0.00002.
gnomAD v4.1: 18 of 1,613,836 alleles (0.0011%); highest among the groups gnomAD compares: Admixed American, 0.0067%; no homozygotes.

Submissions (3):

Labcorp Genetics (formerly Invitae), Labcorp
Classification: Likely benign for Genitopatellar syndrome. Last evaluated: 2025-12-13. Review status: criteria provided, single submitter. Criteria: Invitae Variant Classification Sherloc (09022015). Collection method: clinical testing. Allele origin: germline.

GeneDx
Classification: Likely benign. Last evaluated: 2021-05-12. Review status: criteria provided, single submitter. Criteria: GeneDx Variant Classification Process June 2021. Collection method: clinical testing. Allele origin: germline. Affected: yes.
Comment: See Variant Classification Assertion Criteria.

Blueprint Genetics
Classification: Likely benign. Last evaluated: 2020-10-13. Review status: criteria provided, single submitter. Criteria: ACMG Guidelines, 2015. Collection method: clinical testing. Allele origin: germline.

NM_012330.4(KAT6B):c.3154C>T (p.Arg1052Trp)

Gene: KAT6B (lysine acetyltransferase 6B; plus strand). Cytogenetic location: 10q22.2.
Variant type: single nucleotide variant.
Coding change: c.3154C>T on transcript NM_012330.4 (MANE Select); coding-DNA position 3154, C replaced by T.
Protein change: p.Arg1052Trp; replaces arginine 1052 with tryptophan.
Molecular consequence: missense variant.
Genome position (GRCh38, 1-based): chr10:75,022,013, C>T. VCF-style: chr10-75022013-C-T. GRCh37 (hg19) VCF-style: chr10-76781771-C-T.
Other names: c.2605C>T, p.Arg869Trp (NM_001256468.2, NM_001370138.1); c.2278C>T, p.Arg760Trp (NM_001256469.2, NM_001370139.1, NM_001370140.1 and 2 more transcripts); c.2116C>T, p.Arg706Trp (NM_001370132.1); c.1465C>T, p.Arg489Trp (NM_001370133.1); c.1069C>T, p.Arg357Trp (NM_001370134.1); c.811C>T, p.Arg271Trp (NM_001370135.1); c.3154C>T, p.Arg1052Trp (NM_001370136.1, NM_001370137.1); c.2089C>T, p.Arg697Trp (NM_001370143.1, NM_001370144.1); short protein forms R760W, R869W, R1052W, R489W, R697W, R271W, R357W, R706W.
Identifiers: ClinVar variation 1366618 (VCV001366618.8), dbSNP rs747968644, ClinGen allele CA5564738.